The following is an entry in ClinVar:

NM_006204.4(PDE6C):c.413T>C (p.Leu138Ser)

Gene: PDE6C (phosphodiesterase 6C; plus strand). Cytogenetic location: 10q23.33.
Variant type: single nucleotide variant.
Coding change: c.413T>C on transcript NM_006204.4 (MANE Select); coding-DNA position 413, T replaced by C.
Protein change: p.Leu138Ser; replaces leucine 138 with serine.
Molecular consequence: missense variant.
Genome position (GRCh38, 1-based): chr10:93,613,138, T>C. VCF-style: chr10-93613138-T-C. GRCh37 (hg19) VCF-style: chr10-95372895-T-C.
Other names: short protein forms L138S.
Identifiers: ClinVar variation 880176 (VCV000880176.16), dbSNP rs139456217, ClinGen allele CA5609831.

ClinVar aggregate classification (germline): Conflicting classifications of pathogenicity. Review status: criteria provided, conflicting classifications (1 of 4 stars). 6 submissions from 5 submitters: Uncertain significance (3); Benign (1); Likely benign (1). 1 of the submissions does not count toward it. Last evaluated 2026-01-21.

Conditions:
Achromatopsia. Also called: Rod monochromatism. Identifiers: Orphanet 49382, MedGen C0152200, MONDO:0018852, HP:0011516.
PDE6C-related disorder. Also called: PDE6C-related condition.
Cone dystrophy 4 (COD4). Identifiers: Orphanet 49382, MedGen C2751308, MONDO:0013129, OMIM 613093.

Allele frequency attached by ClinVar (database versions not stated): 1000 Genomes Project 30x 0.00016; 1000 Genomes Project 0.00020; ESP Exome Variant Server 0.00046; TOPMed 0.00057; gnomAD exomes 0.00095 and 0.00121; ExAC 0.00115; gnomAD 0.00116 and 0.00121.
gnomAD v4.1: 1,555 of 1,614,098 alleles (0.096%); highest among the groups gnomAD compares: Non-Finnish European, 0.089%; 3 homozygotes.

Submissions (6):

Labcorp Genetics (formerly Invitae), Labcorp
Classification: Benign. Last evaluated: 2026-01-21. Review status: criteria provided, single submitter. Criteria: Invitae Variant Classification Sherloc (09022015). Collection method: clinical testing. Allele origin: germline.

Blueprint Genetics
Classification: Likely benign. Last evaluated: 2024-11-21. Review status: criteria provided, single submitter. Criteria: ACMG Guidelines, 2015. Collection method: clinical testing. Allele origin: germline.

Mendelics
Classification: Uncertain significance. Last evaluated: 2022-05-04. Review status: criteria provided, single submitter. Criteria: Mendelics Assertion Criteria 2019. Collection method: clinical testing. Allele origin: germline.

Illumina Laboratory Services, Illumina
Classification: Uncertain significance for Cone dystrophy 4. Last evaluated: 2017-04-27. Review status: criteria provided, single submitter. Criteria: ICSL Variant Classification Criteria 13 December 2019. Collection method: clinical testing. Allele origin: germline.

Illumina Laboratory Services, Illumina
Classification: Uncertain significance for Achromatopsia. Last evaluated: 2017-04-27. Review status: criteria provided, single submitter. Criteria: ICSL Variant Classification Criteria 13 December 2019. Collection method: clinical testing. Allele origin: germline.
Comment: This variant was observed as part of a predisposition screen in an ostensibly healthy population. A literature search was performed for the gene, cDNA change, and amino acid change (where applicable). Publications were found based on this search. However, the evidence from the literature, in combination with allele frequency data from public databases where available, was not sufficient to rule this variant in or out of causing disease. Therefore, this variant is classified as a variant of unknown significance.

PreventionGenetics, part of Exact Sciences
Classification: Benign for PDE6C-related condition. Last evaluated: 2019-11-21. Review status: no assertion criteria provided. Collection method: clinical testing. Allele origin: germline. Not counted in ClinVar's aggregate classification.
Comment: This variant is classified as benign based on ACMG/AMP sequence variant interpretation guidelines (Richards et al. 2015 PMID: 25741868, with internal and published modifications).

Literature cited by the submitters: PubMed 19615668 (cited by Illumina Laboratory Services, Illumina).